The following is an entry in ClinVar:

ClinVar aggregate classification (germline): Conflicting classifications of pathogenicity. Review status: criteria provided, conflicting classifications (1 of 4 stars). 3 submissions from 3 submitters: Likely pathogenic (1); Uncertain significance (1). 1 of the submissions does not count toward it. Last evaluated 2022-08-13.

Conditions:
Cardiovascular phenotype. Identifiers: MedGen CN230736.
Long QT syndrome (LQTS). Identifiers: MedGen C0023976, MeSH D008133, MONDO:0002442. Disease mechanism: loss of function. Inheritance: Various modes of inheritance.
Jervell and Lange-Nielsen syndrome 1 (JLNS1). Also called: CARDIOAUDITORY SYNDROME OF JERVELL AND LANGE-NIELSEN; DEAFNESS, CONGENITAL, AND FUNCTIONAL HEART DISEASE; PROLONGED QT INTERVAL IN EKG AND SUDDEN DEATH; SURDO-CARDIAC SYNDROME. Identifiers: Orphanet 768, Orphanet 90647, MedGen C4551509, MONDO:0024540, OMIM 220400.

Allele frequency attached by ClinVar (database versions not stated): TOPMed below 0.00001.

Submissions (3):

Labcorp Genetics (formerly Invitae), Labcorp
Classification: Uncertain significance for Long QT syndrome. Last evaluated: 2022-08-13. Review status: criteria provided, single submitter. Criteria: Invitae Variant Classification Sherloc (09022015). Collection method: clinical testing. Allele origin: germline.
Comment: In summary, the available evidence is currently insufficient to determine the role of this variant in disease. Therefore, it has been classified as a Variant of Uncertain Significance. Variants that disrupt the consensus splice site are a relatively common cause of aberrant splicing (PMID: 17576681, 9536098). Algorithms developed to predict the effect of sequence changes on RNA splicing suggest that this variant may disrupt the consensus splice site. ClinVar contains an entry for this variant (Variation ID: 1185062). Disruption of this splice site has been observed in individual(s) with clinical features of long QT syndrome (Invitae). This variant is not present in population databases (gnomAD no frequency). This sequence change affects an acceptor splice site in intron 15 of the KCNQ1 gene. While this variant is not anticipated to result in nonsense mediated decay, it likely alters RNA splicing and results in a disrupted protein product.

Ambry Genetics
Classification: Likely pathogenic for Cardiovascular phenotype. Last evaluated: 2016-12-28. Review status: criteria provided, single submitter. Criteria: Ambry Variant Classification Scheme 2023. Collection method: clinical testing. Allele origin: germline.
Comment: The c.1795-2A>G intronic variant results from an A to G substitution two nucleotides upstream from coding exon 16 in the KCNQ1 gene. This nucleotide position is highly conserved in available vertebrate species. Using the BDGP and ESEfinder splice site prediction tools, this alteration is expected to abolish the native splice acceptor site; however experimental evidence is not currently available. Alterations that disrupt the canonical splice site are expected to cause aberrant splicing, resulting in an abnormal protein or a transcript that is subject to nonsense-mediated mRNA decay. As such, this alteration is classified as likely pathogenic.

WangQJ Lab, Chinese People's Liberation Army General Hospital
Classification: Pathogenic for Jervell and Lange-Nielsen syndrome 1. Last evaluated: 2021-07-01. Review status: no assertion criteria provided. Collection method: clinical testing. Allele origin: paternal. Not counted in ClinVar's aggregate classification.

Literature cited by the submitters: PubMed 17576681 (cited by Labcorp Genetics (formerly Invitae), Labcorp); PubMed 9536098 (cited by Labcorp Genetics (formerly Invitae), Labcorp).

NM_000218.3(KCNQ1):c.1795-2A>G

Genes: KCNQ1 (potassium voltage-gated channel subfamily Q member 1; plus strand), KCNQ1-AS1 (KCNQ1 antisense RNA 1; minus strand). Cytogenetic location: 11p15.4.
Variant type: single nucleotide variant.
Coding change: c.1795-2A>G on transcript NM_000218.3 (MANE Select); the canonical splice acceptor site of the intron before coding-DNA position 1795, A replaced by G.
Molecular consequence: splice acceptor variant.
Genome position (GRCh38, 1-based): chr11:2,847,765, A>G. VCF-style: chr11-2847765-A-G. GRCh37 (hg19) VCF-style: chr11-2868995-A-G.
Other names: c.1525-2A>G (NM_001406837.1); c.1699-2A>G (NM_001406836.1); c.1255-2A>G (NM_001406838.1); c.1414-2A>G (NM_181798.2); c.307-2A>G (NM_001406839.1).
Identifiers: ClinVar variation 1185062 (VCV001185062.10), dbSNP rs867564993, ClinGen allele CA216345010.
Genomic context (GRCh38, chr11:2,847,765, plus strand): 5'-GGCTGTCTGCACACCTGGGTGCTTCCCACCACTGACTCTCTCGTCTGCCTTTGTCCCCGC[A>G]GGTGACGCAGCTGGACCAGAGGCTGGCACTCATCACCGACATGCTTCACCAGCTGCTCTC-3'